The following is an entry in ClinVar:

ClinVar aggregate classification (germline): Uncertain significance (1 of 4 stars; one submission).

Submission:

CeGaT Center for Human Genetics Tuebingen
Classification: Uncertain significance. Last evaluated: 2025-11-01. Review status: criteria provided, single submitter. Criteria: CeGaT Center For Human Genetics Tuebingen Variant Classification Criteria Version 2. Collection method: clinical testing. Allele origin: germline. Affected: yes. Observed: 1 variant allele.
Comment: SCN4A: PM2, PP3

NM_000334.4(SCN4A):c.1336G>T (p.Val446Leu)

Gene: SCN4A (sodium voltage-gated channel alpha subunit 4; minus strand). Cytogenetic location: 17q23.3.
Variant type: single nucleotide variant.
Coding change: c.1336G>T on transcript NM_000334.4 (MANE Select); coding-DNA position 1336, G replaced by T.
Protein change: p.Val446Leu; replaces valine 446 with leucine.
Molecular consequence: missense variant.
Genome position (GRCh38, 1-based): chr17:63,964,584, C>A on the plus strand (G>T on the coding strand, the complement: SCN4A is on the minus strand). VCF-style: chr17-63964584-C-A. GRCh37 (hg19) VCF-style: chr17-62041944-C-A.
Other names: short protein forms V446L.
Identifiers: ClinVar variation 2648094 (VCV002648094.24), dbSNP rs1462217892, ClinGen allele CA400635016.